The following is an entry in ClinVar:

NM_001273.5(CHD4):c.23dup (p.Ser9fs)

Gene: CHD4 (chromodomain helicase DNA binding protein 4; minus strand). Cytogenetic location: 12p13.31.
Variant type: Duplication.
Coding change: c.23dup on transcript NM_001273.5 (MANE Select); coding-DNA position 23, one base duplicated (C; older notation c.23dupC).
Protein change: p.Ser9fs; shifts the reading frame from serine 9.
Molecular consequence: frameshift variant.
Genome position (GRCh38, 1-based): chr12:6,606,351, G duplicated on the plus strand (C on the coding strand, the reverse complement: CHD4 is on the minus strand); the first of 4 consecutive G bases (chr12:6,606,351-6,606,354); duplicating any one gives the same sequence. VCF-style (leftmost placement, unchanged base first): chr12-6606350-C-CG. GRCh37 (hg19) VCF-style: chr12-6715516-C-CG.
Other names: c.23dup, p.Ser9fs (NM_001297553.2, NM_001363606.2); short protein forms S9fs.
Identifiers: ClinVar variation 3600927 (VCV003600927.1).

ClinVar aggregate classification (germline): Uncertain significance (1 of 4 stars; one submission).

Submission:

GeneDx
Classification: Uncertain significance. Last evaluated: 2024-07-22. Review status: criteria provided, single submitter. Criteria: GeneDx Variant Classification Process June 2021. Collection method: clinical testing. Allele origin: germline. Affected: yes.
Comment: Not observed at significant frequency in large population cohorts (gnomAD); Frameshift variant predicted to result in protein truncation or nonsense mediated decay in a gene or region of a gene for which loss of function is not a well-established mechanism of disease; Has not been previously published as pathogenic or benign to our knowledge